The following is an entry in ClinVar:

NC_000017.10:g.(?_4804800)_(4806078_?)dup

Genes: C17orf107 (chromosome 17 open reading frame 107; plus strand), CHRNE (cholinergic receptor nicotinic epsilon subunit; minus strand). Cytogenetic location: 17p13.2.
Variant type: Duplication.
Identifiers: ClinVar variation 645867 (VCV000645867.3).

ClinVar aggregate classification (germline): Uncertain significance (1 of 4 stars; one submission).

Conditions:
Congenital myasthenic syndrome 4A. Also called: MYASTHENIC SYNDROME, CONGENITAL, 4A, SLOW-CHANNEL, AUTOSOMAL RECESSIVE; Myasthenic syndrome, congenital, 4a, slow-channel; CONGENITAL MYASTHENIC SYNDROME TYPE Ia1. Identifiers: Orphanet 590, MedGen C4225413, MONDO:0011600, OMIM 605809.

Submission:

Labcorp Genetics (formerly Invitae), Labcorp
Classification: Uncertain significance for Congenital myasthenic syndrome 4A. Last evaluated: 2020-02-17. Review status: criteria provided, single submitter. Criteria: Invitae Variant Classification Sherloc (09022015). Collection method: clinical testing. Allele origin: germline.
Comment: Experimental studies are not available for this variant, and the functional significance of a copy number gain of these exons is currently unknown. This variant has not been reported in the literature in individuals with CHRNE-related disease. This variant results in a copy number gain of the genomic region encompassing exons 2-6 of the CHRNE gene. While the exact position of this variant cannot be determined from this data, sub-genic copy number gains are generally in tandem (PMID: 25640679). This variant would be expected to be in-frame, preserving the integrity of the reading frame. In summary, the available evidence is currently insufficient to determine the role of this variant in disease. Therefore, it has been classified as a Variant of Uncertain Significance.

Literature cited by the submitters: PubMed 25640679.